The following is an entry in ClinVar:

ClinVar aggregate classification (germline): Uncertain significance. Review status: criteria provided, multiple submitters, no conflicts (2 of 4 stars). 2 submissions from 2 submitters: Uncertain significance (2). Last evaluated 2025-04-17.

Conditions:
Inborn genetic diseases. Identifiers: MedGen C0950123, MeSH D030342.

gnomAD v4.1: 7 of 1,601,776 alleles (0.00044%); highest among the groups gnomAD compares: Non-Finnish European, 0.0006%; no homozygotes.

Submissions (2):

Ambry Genetics
Classification: Uncertain significance for Inborn genetic diseases. Last evaluated: 2025-04-17. Review status: criteria provided, single submitter. Criteria: Ambry Variant Classification Scheme 2023. Collection method: clinical testing. Allele origin: germline.

GeneDx
Classification: Uncertain significance. Last evaluated: 2023-03-21. Review status: criteria provided, single submitter. Criteria: GeneDx Variant Classification Process June 2021. Collection method: clinical testing. Allele origin: germline. Affected: yes.
Comment: Not observed at significant frequency in large population cohorts (gnomAD); In silico analysis supports that this missense variant does not alter protein structure/function; Has not been previously published as pathogenic or benign to our knowledge

NM_006059.4(LAMC3):c.658G>C (p.Glu220Gln)

Gene: LAMC3 (laminin subunit gamma 3; plus strand). Cytogenetic location: 9q34.12.
Variant type: single nucleotide variant.
Coding change: c.658G>C on transcript NM_006059.4 (MANE Select); coding-DNA position 658, G replaced by C.
Protein change: p.Glu220Gln; replaces glutamic acid 220 with glutamine.
Molecular consequence: missense variant.
Genome position (GRCh38, 1-based): chr9:131,026,569, G>C. VCF-style: chr9-131026569-G-C. GRCh37 (hg19) VCF-style: chr9-133901956-G-C.
Other names: short protein forms E220Q.
Identifiers: ClinVar variation 2580648 (VCV002580648.2), dbSNP rs776415186, ClinGen allele CA375253007.
Genomic context (GRCh38, chr9:131,026,569, plus strand): 5'-CTGAGTGGCGGCAACGTGGCCTTCTCCACCCTGGAGGGCCGGCCCAGCGCCTACAACTTC[G>C]AGGAGAGCCCTGGGCTGCAGGTCAGGGAGGAGCGGGGCTTCGGAGGTTGGGACGGGGTTG-3'
Protein context (NP_006050.3, residues 210-230): LEGRPSAYNF[Glu220Gln]ESPGLQEWVT